The following is an entry in ClinVar:

ClinVar aggregate classification (germline): Uncertain significance (1 of 4 stars; one submission).

Conditions:
PLXNA4-related disorder. Also called: PLXNA4-related condition.

gnomAD v4.1: 14 of 1,614,040 alleles (0.00087%); highest among the groups gnomAD compares: African/African-American, 0.008%; no homozygotes.

Submission:

PreventionGenetics, part of Exact Sciences
Classification: Uncertain significance for PLXNA4-related condition. Last evaluated: 2026-06-01. Review status: criteria provided, single submitter. Criteria: ACMG Guidelines, 2015. Collection method: clinical testing. Allele origin: germline.
Comment: The PLXNA4 c.520G>A variant is predicted to result in the amino acid substitution p.Val174Ile. To our knowledge, this variant has not been reported in the literature. This variant is reported in 0.0080% of alleles in individuals of African descent in gnomAD. At this time, the clinical significance of this variant is uncertain due to the absence of conclusive functional and genetic evidence.

NM_020911.2(PLXNA4):c.520G>A (p.Val174Ile)

Gene: PLXNA4 (plexin A4; minus strand). Cytogenetic location: 7q32.3.
Variant type: single nucleotide variant.
Coding change: c.520G>A on transcript NM_020911.2 (MANE Select); coding-DNA position 520, G replaced by A.
Protein change: p.Val174Ile; replaces valine 174 with isoleucine.
Molecular consequence: missense variant.
Genome position (GRCh38, 1-based): chr7:132,508,174, C>T on the plus strand (G>A on the coding strand, the complement: PLXNA4 is on the minus strand). VCF-style: chr7-132508174-C-T. GRCh37 (hg19) VCF-style: chr7-132192933-C-T.
Other names: c.520G>A, p.Val174Ile (NM_001105543.2, NM_001393897.1, NM_181775.4); short protein forms V174I.
Identifiers: ClinVar variation 4987409 (VCV004987409.1).